The following is an entry in ClinVar:

NM_001191061.2(SLC25A22):c.955del (p.Gln319fs)

Gene: SLC25A22 (solute carrier family 25 member 22; minus strand). Cytogenetic location: 11p15.5.
Variant type: Deletion.
Coding change: c.955del on transcript NM_001191061.2 (MANE Select); coding-DNA position 955, one base deleted (C; older notation c.955delC).
Protein change: p.Gln319fs; shifts the reading frame from glutamine 319.
Molecular consequence: frameshift variant.
Genome position (GRCh38, 1-based): chr11:791,932, G deleted on the plus strand (C on the coding strand, the reverse complement: SLC25A22 is on the minus strand). VCF-style (leftmost placement, unchanged base first): chr11-791931-TG-T. GRCh37 (hg19) VCF-style: chr11-791931-TG-T.
Other names: c.955del, p.Gln319fs (NM_001191060.2, NM_024698.6); short protein forms Q319fs.
Identifiers: ClinVar variation 857316 (VCV000857316.9), dbSNP rs1864541864, ClinGen allele CA916083163.

ClinVar aggregate classification (germline): Uncertain significance (1 of 4 stars; one submission).

Conditions:
Developmental and epileptic encephalopathy. Identifiers: MedGen C5779964, MONDO:0100620.

Submission:

Labcorp Genetics (formerly Invitae), Labcorp
Classification: Uncertain significance for Early-infantile DEE. Last evaluated: 2024-02-17. Review status: criteria provided, single submitter. Criteria: Invitae Variant Classification Sherloc (09022015). Collection method: clinical testing. Allele origin: germline.
Comment: This sequence change results in a frameshift in the SLC25A22 gene (p.Gln319Argfs*55). While this is not anticipated to result in nonsense mediated decay, it is expected to disrupt the last 5 amino acid(s) of the SLC25A22 protein. This variant is not present in population databases (gnomAD no frequency). This variant has not been reported in the literature in individuals affected with SLC25A22-related conditions. ClinVar contains an entry for this variant (Variation ID: 857316). Experimental studies and prediction algorithms are not available or were not evaluated, and the functional significance of this variant is currently unknown. In summary, the available evidence is currently insufficient to determine the role of this variant in disease. Therefore, it has been classified as a Variant of Uncertain Significance.